The following is an entry in ClinVar:

NM_004329.3(BMPR1A):c.1055C>G (p.Thr352Ser)

Gene: BMPR1A (bone morphogenetic protein receptor type 1A; plus strand). Cytogenetic location: 10q23.2.
Variant type: single nucleotide variant.
Coding change: c.1055C>G on transcript NM_004329.3 (MANE Select); coding-DNA position 1055, C replaced by G.
Protein change: p.Thr352Ser; replaces threonine 352 with serine.
Molecular consequence: missense variant.
Genome position (GRCh38, 1-based): chr10:86,919,358, C>G. VCF-style: chr10-86919358-C-G. GRCh37 (hg19) VCF-style: chr10-88679115-C-G.
Other names: c.1130C>G, p.Thr377Ser (NM_001406559.1); c.1103C>G, p.Thr368Ser (NM_001406560.1); c.1055C>G, p.Thr352Ser (NM_001406561.1, NM_001406562.1, NM_001406563.1 and 19 more transcripts); c.1049C>G, p.Thr350Ser (NM_001406583.1); c.971C>G, p.Thr324Ser (NM_001406584.1, NM_001406585.1, NM_001406586.1 and 2 more transcripts); c.713C>G, p.Thr238Ser (NM_001406589.1); short protein forms T350S, T377S, T238S, T324S, T352S, T368S.
Identifiers: ClinVar variation 1778358 (VCV001778358.2), dbSNP rs1843626622, ClinGen allele CA377460720.

ClinVar aggregate classification (germline): Uncertain significance (1 of 4 stars; one submission).

Conditions:
Hereditary cancer-predisposing syndrome. Also called: Neoplastic Syndromes, Hereditary; Tumor predisposition; Hereditary Cancer Syndrome; Hereditary neoplastic syndrome. Identifiers: Orphanet 140162, MedGen C0027672, MeSH D009386, MONDO:0015356.

Submission:

Ambry Genetics
Classification: Uncertain significance for Hereditary cancer-predisposing syndrome. Last evaluated: 2022-08-09. Review status: criteria provided, single submitter. Criteria: Ambry Variant Classification Scheme 2023. Collection method: clinical testing. Allele origin: germline.
Comment: The p.T352S variant (also known as c.1055C>G), located in coding exon 8 of the BMPR1A gene, results from a C to G substitution at nucleotide position 1055. The threonine at codon 352 is replaced by serine, an amino acid with similar properties. This amino acid position is conserved. In addition, the in silico prediction for this alteration is inconclusive. Since supporting evidence is limited at this time, the clinical significance of this alteration remains unclear.